The following is an entry in ClinVar:

NM_001282116.2(RFX3):c.1474T>C (p.Phe492Leu)

Gene: RFX3 (regulatory factor X3; minus strand). Cytogenetic location: 9p24.2.
Variant type: single nucleotide variant.
Coding change: c.1474T>C on transcript NM_001282116.2 (MANE Select); coding-DNA position 1474, T replaced by C.
Protein change: p.Phe492Leu; replaces phenylalanine 492 with leucine.
Molecular consequence: missense variant.
Genome position (GRCh38, 1-based): chr9:3,263,066, A>G on the plus strand (T>C on the coding strand, the complement: RFX3 is on the minus strand). VCF-style: chr9-3263066-A-G. GRCh37 (hg19) VCF-style: chr9-3263066-A-G.
Other names: c.1474T>C, p.Phe492Leu (NM_001377999.1, NM_002919.4, NM_134428.3); short protein forms F492L.
Identifiers: ClinVar variation 3899672 (VCV003899672.1).

ClinVar aggregate classification (germline): Uncertain significance (1 of 4 stars; one submission).

gnomAD v4.1: 1 of 1,613,676 alleles (0.000062%); highest among the groups gnomAD compares: Non-Finnish European, 0.000085%; no homozygotes.

Submission:

GeneDx
Classification: Uncertain significance. Last evaluated: 2024-11-15. Review status: criteria provided, single submitter. Criteria: GeneDx Variant Classification Process June 2021. Collection method: clinical testing. Allele origin: germline. Affected: yes.
Comment: Not observed at significant frequency in large population cohorts (gnomAD); In silico analysis supports that this missense variant has a deleterious effect on protein structure/function; Has not been previously published as pathogenic or benign to our knowledge